The following is an entry in ClinVar:

ClinVar aggregate classification (germline): Pathogenic (1 of 4 stars; one submission).

Submission:

ISCA site 14
Classification: Pathogenic. Last evaluated: 2011-08-12. Review status: criteria provided, single submitter. Criteria: Kaminsky et al. (Genet Med. 2011). Collection method: clinical testing. Allele origin: paternal. Affected: yes. Observed: 1 variant allele.
Comment: Copy number variation identified through the course of routine clinical cytogenomic testing in postnatal populations. Clinical assertions have been curated as described in Kaminsky et al. 2011.

GRCh38/hg38 1q44(chr1:243786629-248918469)x1

Genes: ADSS2 (adenylosuccinate synthase 2; minus strand), AHCTF1 (AT-hook containing transcription factor 1; minus strand), AKT3 (AKT serine/threonine kinase 3; minus strand), AKT3-IT1 (AKT3 intronic transcript 1; minus strand), C1orf202 (chromosome 1 open reading frame 202; minus strand) and 224 more. Cytogenetic location: 1q44.
Variant type: copy number loss.
Change: copy number 1 (one copy instead of two) of chr1:243,786,629-248,918,469 (5.13 Mb, GRCh38 coordinates, 1-based), cytogenetic band 1q44.
Identifiers: ClinVar variation 60187 (VCV000060187.1).